The following is an entry in ClinVar:

ClinVar aggregate classification (germline): Uncertain significance. Review status: criteria provided, multiple submitters, no conflicts (2 of 4 stars). 3 submissions from 3 submitters: Uncertain significance (3). Last evaluated 2024-01-04.

Conditions:
Sucrase-isomaltase deficiency (CSID). Also called: Deficiency of isomaltase; Congenital sucrose isomaltose malabsorption; Sucrose isomaltose enzyme deficiency; SI DEFICIENCY. Identifiers: Orphanet 35122, MedGen C1283620, MONDO:0009114, OMIM 222900.

Allele frequency attached by ClinVar (database versions not stated): ExAC 0.00002; gnomAD 0.00002; gnomAD exomes 0.00002 and 0.00004; TOPMed 0.00002.
gnomAD v4.1: 36 of 1,612,292 alleles (0.0022%); highest among the groups gnomAD compares: Middle Eastern, 0.033%; no homozygotes.

Submissions (3):

Fulgent Genetics
Classification: Uncertain significance for Sucrase-isomaltase deficiency. Last evaluated: 2024-01-04. Review status: criteria provided, single submitter. Criteria: ACMG Guidelines, 2015. Collection method: clinical testing. Allele origin: germline.

Labcorp Genetics (formerly Invitae), Labcorp
Classification: Uncertain significance. Last evaluated: 2022-07-19. Review status: criteria provided, single submitter. Criteria: Invitae Variant Classification Sherloc (09022015). Collection method: clinical testing. Allele origin: germline.
Comment: This sequence change replaces valine, which is neutral and non-polar, with isoleucine, which is neutral and non-polar, at codon 1774 of the SI protein (p.Val1774Ile). This variant is present in population databases (rs771335037, gnomAD 0.006%). This variant has not been reported in the literature in individuals affected with SI-related conditions. ClinVar contains an entry for this variant (Variation ID: 902175). Advanced modeling of protein sequence and biophysical properties (such as structural, functional, and spatial information, amino acid conservation, physicochemical variation, residue mobility, and thermodynamic stability) performed at Invitae indicates that this missense variant is not expected to disrupt SI protein function. In summary, the available evidence is currently insufficient to determine the role of this variant in disease. Therefore, it has been classified as a Variant of Uncertain Significance.

Illumina Laboratory Services, Illumina
Classification: Uncertain significance for Sucrase-isomaltase deficiency. Last evaluated: 2018-02-02. Review status: criteria provided, single submitter. Criteria: ICSL Variant Classification Criteria 13 December 2019. Collection method: clinical testing. Allele origin: germline.

NM_001041.4(SI):c.5320G>A (p.Val1774Ile)

Gene: SI (sucrase-isomaltase; minus strand). Cytogenetic location: 3q26.1.
Variant type: single nucleotide variant.
Coding change: c.5320G>A on transcript NM_001041.4 (MANE Select); coding-DNA position 5320, G replaced by A.
Protein change: p.Val1774Ile; replaces valine 1774 with isoleucine.
Molecular consequence: missense variant.
Genome position (GRCh38, 1-based): chr3:164,982,338, C>T on the plus strand (G>A on the coding strand, the complement: SI is on the minus strand). VCF-style: chr3-164982338-C-T. GRCh37 (hg19) VCF-style: chr3-164700126-C-T.
Other names: short protein forms V1774I.
Identifiers: ClinVar variation 902175 (VCV000902175.7), dbSNP rs771335037, ClinGen allele CA2689553.